The following is an entry in ClinVar:

NM_000057.4(BLM):c.3182T>C (p.Val1061Ala)

Gene: BLM (BLM RecQ like helicase; plus strand). Cytogenetic location: 15q26.1.
Variant type: single nucleotide variant.
Coding change: c.3182T>C on transcript NM_000057.4 (MANE Select); coding-DNA position 3182, T replaced by C.
Protein change: p.Val1061Ala; replaces valine 1061 with alanine.
Molecular consequence: missense variant.
Genome position (GRCh38, 1-based): chr15:90,794,329, T>C. VCF-style: chr15-90794329-T-C. GRCh37 (hg19) VCF-style: chr15-91337559-T-C.
Other names: c.3182T>C, p.Val1061Ala (NM_001287246.2, NM_001287247.2); c.2057T>C, p.Val686Ala (NM_001287248.2); short protein forms V1061A, V686A.
Identifiers: ClinVar variation 4867476 (VCV004867476.1).
Genomic context (GRCh38, chr15:90,794,329, plus strand): 5'-TTTTGGCCTACTTTGGTGAAAATGGATTTAATCCTGATTTTTGTAAGAAACACCCAGATG[T>C]TTCTTGTGATAATTGCTGTAAAACAAAGGTAAAAAAAGAAGTTTTAAAATTCTTTATAAT-3'
Protein context (NP_000048.1, residues 1051-1071): NPDFCKKHPD[Val1061Ala]SCDNCCKTKD

ClinVar aggregate classification (germline): Uncertain significance (1 of 4 stars; one submission).

Conditions:
Hereditary cancer-predisposing syndrome. Also called: Neoplastic Syndromes, Hereditary; Tumor predisposition; Hereditary Cancer Syndrome; Hereditary neoplastic syndrome. Identifiers: Orphanet 140162, MedGen C0027672, MeSH D009386, MONDO:0015356.

Submission:

Ambry Genetics
Classification: Uncertain significance for Hereditary cancer-predisposing syndrome. Last evaluated: 2026-03-23. Review status: criteria provided, single submitter. Criteria: Ambry Variant Classification Scheme 2023. Collection method: clinical testing. Allele origin: germline.
Comment: The p.V1061A variant (also known as c.3182T>C), located in coding exon 15 of the BLM gene, results from a T to C substitution at nucleotide position 3182. The valine at codon 1061 is replaced by alanine, an amino acid with similar properties. This amino acid position is conserved. In addition, this alteration is predicted to be tolerated by in silico analysis. Based on the available evidence, the clinical significance of this variant remains unclear.